The following is an entry in ClinVar:

NM_000138.5(FBN1):c.2873G>C (p.Cys958Ser)

Gene: FBN1 (fibrillin 1; minus strand). Cytogenetic location: 15q21.1.
Variant type: single nucleotide variant.
Coding change: c.2873G>C on transcript NM_000138.5 (MANE Select); coding-DNA position 2873, G replaced by C.
Protein change: p.Cys958Ser; replaces cysteine 958 with serine.
Molecular consequence: missense variant.
Genome position (GRCh38, 1-based): chr15:48,490,060, C>G on the plus strand (G>C on the coding strand, the complement: FBN1 is on the minus strand). VCF-style: chr15-48490060-C-G. GRCh37 (hg19) VCF-style: chr15-48782257-C-G.
Other names: short protein forms C958S.
Identifiers: ClinVar variation 457182 (VCV000457182.8), dbSNP rs1555398834, ClinGen allele CA392330133.

ClinVar aggregate classification (germline): Likely pathogenic (1 of 4 stars; one submission).

Conditions:
Marfan syndrome (MFS). Also called: MARFAN SYNDROME, TYPE I; FBN1-Related Marfan Syndrome; Marfan syndrome type 1; Marfan's syndrome; Marfan syndrome, classic. Identifiers: Orphanet 284963, Orphanet 558, MedGen C0024796, MONDO:0007947, OMIM 154700.
Familial thoracic aortic aneurysm and aortic dissection (TAAD). Also called: Thoracic aortic aneurysms and dissections. Identifiers: Orphanet 91387, MedGen C4707243, MONDO:0019625.

Submission:

Labcorp Genetics (formerly Invitae), Labcorp
Classification: Likely pathogenic for Marfan syndrome; Familial thoracic aortic aneurysm and aortic dissection. Last evaluated: 2022-05-14. Review status: criteria provided, single submitter. Criteria: Invitae Variant Classification Sherloc (09022015). Collection method: clinical testing. Allele origin: germline.
Comment: In summary, the currently available evidence indicates that the variant is pathogenic, but additional data are needed to prove that conclusively. Therefore, this variant has been classified as Likely Pathogenic. This variant affects a cysteine residue in the EGF-like, TGFBP or hybrid motif domains of FBN1. Cysteine residues are believed to be involved in intramolecular disulfide bridges and have been shown to be important for FBN1 protein structure (PMID: 16905551, 19349279). In addition, missense substitutions affecting cysteine residues within these domains are significantly overrepresented among patients with Marfan syndrome (PMID: 16571647, 17701892). Advanced modeling of protein sequence and biophysical properties (such as structural, functional, and spatial information, amino acid conservation, physicochemical variation, residue mobility, and thermodynamic stability) performed at Invitae indicates that this missense variant is expected to disrupt FBN1 protein function. ClinVar contains an entry for this variant (Variation ID: 457182). This variant has not been reported in the literature in individuals affected with FBN1-related conditions. This variant is not present in population databases (gnomAD no frequency). This sequence change replaces cysteine, which is neutral and slightly polar, with serine, which is neutral and polar, at codon 958 of the FBN1 protein (p.Cys958Ser).

Literature cited by the submitters: PubMed 16905551; PubMed 19349279; PubMed 16571647; PubMed 17701892.